The following is an entry in ClinVar:

ClinVar aggregate classification (germline): Benign/Likely benign. Review status: criteria provided, multiple submitters, no conflicts (2 of 4 stars). 4 submissions from 4 submitters: Benign (2); Likely benign (2). Last evaluated 2026-03-03.

Conditions:
SPTB-related disorder. Also called: SPTB-Related Disorders; SPTB-related condition.

Allele frequency attached by ClinVar (database versions not stated): 1000 Genomes Project 30x 0.00219; 1000 Genomes Project 0.00280; gnomAD 0.00318; TOPMed 0.00352; ESP Exome Variant Server 0.00377.
gnomAD v4.1: 944 of 1,613,654 alleles (0.059%); highest among the groups gnomAD compares: African/African-American, 1.1%; 8 homozygotes.

Submissions (4):

PreventionGenetics, part of Exact Sciences
Classification: Benign for SPTB-related condition. Last evaluated: 2026-03-03. Review status: criteria provided, single submitter. Criteria: ACMG Guidelines, 2015. Collection method: clinical testing. Allele origin: germline.
Comment: This variant is classified as benign based on ACMG/AMP sequence variant interpretation guidelines (Richards et al. 2015 PMID: 25741868, with internal and published modifications).

Labcorp Genetics (formerly Invitae), Labcorp
Classification: Benign. Last evaluated: 2026-01-15. Review status: criteria provided, single submitter. Criteria: Invitae Variant Classification Sherloc (09022015). Collection method: clinical testing. Allele origin: germline.

Mayo Clinic Laboratories, Mayo Clinic
Classification: Likely benign. Last evaluated: 2025-08-07. Review status: criteria provided, single submitter. Criteria: ACMG Guidelines, 2015. Collection method: clinical testing. Allele origin: germline. Observed: 16 variant alleles.

ARUP Laboratories, Molecular Genetics and Genomics, ARUP Laboratories
Classification: Likely benign. Last evaluated: 2024-12-03. Review status: criteria provided, single submitter. Criteria: ARUP Molecular Germline Variant Investigation Process 2024. Collection method: clinical testing. Allele origin: germline.

NM_001355436.2(SPTB):c.4699G>C (p.Asp1567His)

Gene: SPTB (spectrin beta, erythrocytic; minus strand). Cytogenetic location: 14q23.3.
Variant type: single nucleotide variant.
Coding change: c.4699G>C on transcript NM_001355436.2 (MANE Select); coding-DNA position 4699, G replaced by C.
Protein change: p.Asp1567His; replaces aspartic acid 1567 with histidine.
Molecular consequence: missense variant.
Genome position (GRCh38, 1-based): chr14:64,775,268, C>G on the plus strand (G>C on the coding strand, the complement: SPTB is on the minus strand). VCF-style: chr14-64775268-C-G. GRCh37 (hg19) VCF-style: chr14-65241986-C-G.
Other names: p.Asp1567His; c.4699G>C, p.Asp1567His (NM_001024858.4, NM_001355437.2); c.4699G>C (NM_001024858.2); short protein forms D1567H.
Identifiers: ClinVar variation 810913 (VCV000810913.18), dbSNP rs138126360, ClinGen allele CA7230218.